The following is an entry in ClinVar:

NC_000016.9:g.(?_88717344)_(90106937_?)dup

Genes: ACSF3 (acyl-CoA synthetase family member 3; plus strand), ANKRD11 (ankyrin repeat domain 11; minus strand), APRT (adenine phosphoribosyltransferase; minus strand), CBFA2T3 (CBFA2/RUNX1 partner transcriptional co-repressor 3; minus strand), CDH15 (cadherin 15; plus strand) and 33 more. Cytogenetic location: 16q24.3.
Variant type: Duplication.
Identifiers: ClinVar variation 3243329 (VCV003243329.1).

ClinVar aggregate classification (germline): Uncertain significance (1 of 4 stars; one submission).

Conditions:
KBG syndrome (KBGS). Also called: ANKRD11-Related KBG Syndrome. Identifiers: Orphanet 2332, MedGen C0220687, MONDO:0007846, OMIM 148050.

Submission:

Labcorp Genetics (formerly Invitae), Labcorp
Classification: Uncertain significance for KBG syndrome. Last evaluated: 2023-10-25. Review status: criteria provided, single submitter. Criteria: Invitae Variant Classification Sherloc (09022015). Collection method: clinical testing. Allele origin: unknown.
Comment: A copy number gain of the genomic region encompassing the full coding sequence of the ANKRD11 gene has been identified. The boundaries of this event are unknown as they extend beyond the assayed region for this gene and therefore may encompass additional genes. As the precise location of this event is unknown, it may be in tandem or it may be located elsewhere in the genome. Isolated whole-gene copy number gains of ANKRD11 have not been reported in the literature. However, larger copy number events that include this gene have been reported (PMID: 31602316). In summary, the available evidence is currently insufficient to determine the role of this variant in disease. Therefore, it has been classified as a Variant of Uncertain Significance.

Literature cited by the submitters: PubMed 31602316.